The following is an entry in ClinVar:

ClinVar aggregate classification (germline): Conflicting classifications of pathogenicity. Review status: criteria provided, conflicting classifications (1 of 4 stars). 7 submissions from 7 submitters: Uncertain significance (6); Likely benign (1). Last evaluated 2026-01-08.

Conditions:
Familial adenomatous polyposis 1 (FAP1). Also called: FAMILIAL ADENOMATOUS POLYPOSIS 1, ATTENUATED; POLYPOSIS, ADENOMATOUS INTESTINAL. Identifiers: MedGen C2713442, MONDO:0021056, OMIM 175100. Disease mechanism: loss of function.
Hereditary cancer-predisposing syndrome. Also called: Tumor predisposition; Hereditary Cancer Syndrome; Hereditary neoplastic syndrome; Neoplastic Syndromes, Hereditary. Identifiers: Orphanet 140162, MedGen C0027672, MeSH D009386, MONDO:0015356.
Classic or attenuated familial adenomatous polyposis. Identifiers: MedGen CN372698, MONDO:0021057.

Allele frequency attached by ClinVar (database versions not stated): ExAC 0.00001; gnomAD exomes 0.00001; gnomAD 0.00004; TOPMed 0.00006; 1000 Genomes Project 30x 0.00016; 1000 Genomes Project 0.00020.
gnomAD v4.1: 13 of 1,614,136 alleles (0.00081%); highest among the groups gnomAD compares: African/African-American, 0.0093%; no homozygotes.

Submissions (7):

Labcorp Genetics (formerly Invitae), Labcorp
Classification: Uncertain significance for Familial adenomatous polyposis 1. Last evaluated: 2026-01-08. Review status: criteria provided, single submitter. Criteria: Invitae Variant Classification Sherloc (09022015). Collection method: clinical testing. Allele origin: germline.
Comment: This sequence change replaces arginine, which is basic and polar, with glycine, which is neutral and non-polar, at codon 1695 of the APC protein (p.Arg1695Gly). This variant is present in population databases (rs555019540, gnomAD 0.01%). This variant has not been reported in the literature in individuals affected with APC-related conditions. ClinVar contains an entry for this variant (Variation ID: 411445). Invitae Evidence Modeling of protein sequence and biophysical properties (such as structural, functional, and spatial information, amino acid conservation, physicochemical variation, residue mobility, and thermodynamic stability) indicates that this missense variant is not expected to disrupt APC protein function with a negative predictive value of 95%. In summary, the available evidence is currently insufficient to determine the role of this variant in disease. Therefore, it has been classified as a Variant of Uncertain Significance.

Quest Diagnostics Nichols Institute San Juan Capistrano
Classification: Uncertain significance. Last evaluated: 2024-07-10. Review status: criteria provided, single submitter. Criteria: Quest Diagnostics criteria. Collection method: clinical testing. Allele origin: unknown.
Comment: The APC c.5083A>G (p.Arg1695Gly) variant has not been reported in individuals with APC-related conditions in the published literature. The frequency of this variant in the general population, 0.00012 (3/24474 chromosomes in African/African American subpopulation (Genome Aggregation Database)), is higher than would generally be expected for pathogenic variants in this gene. Analysis of this variant using bioinformatics tools for the prediction of the effect of amino acid changes on protein structure and function yielded conflicting predictions that this variant is deleterious or benign. Based on the available information, we are unable to determine the clinical significance of this variant.

Baylor Genetics
Classification: Uncertain significance for Familial adenomatous polyposis 1. Last evaluated: 2024-03-19. Review status: criteria provided, single submitter. Criteria: ACMG Guidelines, 2015. Collection method: clinical testing. Allele origin: unknown.

GeneDx
Classification: Uncertain significance. Last evaluated: 2023-12-10. Review status: criteria provided, single submitter. Criteria: GeneDx Variant Classification Process June 2021. Collection method: clinical testing. Allele origin: germline. Affected: yes.
Comment: Not observed at significant frequency in large population cohorts (gnomAD); In silico analysis supports that this missense variant does not alter protein structure/function; Has not been previously published as pathogenic or benign to our knowledge; This variant is associated with the following publications: (PMID: 18199528)

All of Us Research Program, National Institutes of Health
Classification: Uncertain significance for Classic or attenuated familial adenomatous polyposis. Last evaluated: 2023-11-20. Review status: criteria provided, single submitter. Criteria: ACMG Guidelines, 2015. Collection method: clinical testing. Allele origin: germline. Inheritance: Autosomal dominant inheritance. Observed: 1 variant allele, 1 heterozygote.
Comment: This missense variant replaces arginine with glycine at codon 1695 of the APC protein. Computational prediction suggests that this variant may not impact protein structure and function (internally defined REVEL score threshold <= 0.5, PMID: 27666373). To our knowledge, functional studies have not been reported for this variant. This variant has not been reported in individuals affected with APC-related disorders in the literature. This variant has been identified in 4/280948 chromosomes in the general population by the Genome Aggregation Database (gnomAD). The available evidence is insufficient to determine the role of this variant in disease conclusively. Therefore, this variant is classified as a Variant of Uncertain Significance.

This study involves interpretation of variants in research participants for the purpose of population health screening. Participant phenotype was not available at the time of variant classification. Additional details can be found in publication PMID: 35346344, PMCID: PMC8962531

Color Diagnostics, LLC DBA Color Health
Classification: Uncertain significance for Hereditary cancer-predisposing syndrome. Last evaluated: 2023-11-01. Review status: criteria provided, single submitter. Criteria: ACMG Guidelines, 2015. Collection method: clinical testing. Allele origin: germline.
Comment: This missense variant replaces arginine with glycine at codon 1695 of the APC protein. Computational prediction suggests that this variant may not impact protein structure and function (internally defined REVEL score threshold <= 0.5, PMID: 27666373). To our knowledge, functional studies have not been reported for this variant. This variant has not been reported in individuals affected with APC-related disorders in the literature. This variant has been identified in 4/280948 chromosomes in the general population by the Genome Aggregation Database (gnomAD). The available evidence is insufficient to determine the role of this variant in disease conclusively. Therefore, this variant is classified as a Variant of Uncertain Significance.

Ambry Genetics
Classification: Likely benign for Hereditary cancer-predisposing syndrome. Last evaluated: 2023-03-28. Review status: criteria provided, single submitter. Criteria: Ambry Variant Classification Scheme 2023. Collection method: clinical testing. Allele origin: germline.

NM_000038.6(APC):c.5083A>G (p.Arg1695Gly)

Gene: APC (APC regulator of Wnt signaling pathway; plus strand). Cytogenetic location: 5q22.2.
Variant type: single nucleotide variant.
Coding change: c.5083A>G on transcript NM_000038.6 (MANE Select); coding-DNA position 5083, A replaced by G.
Protein change: p.Arg1695Gly; replaces arginine 1695 with glycine.
Molecular consequence: missense variant.
Genome position (GRCh38, 1-based): chr5:112,840,677, A>G. VCF-style: chr5-112840677-A-G. GRCh37 (hg19) VCF-style: chr5-112176374-A-G.
Other names: c.5083A>G, p.Arg1695Gly (NM_001127510.3, NM_001354895.2); c.5029A>G, p.Arg1677Gly (NM_001127511.3); c.5137A>G, p.Arg1713Gly (NM_001354896.2); c.5113A>G, p.Arg1705Gly (NM_001354897.2); c.5008A>G, p.Arg1670Gly (NM_001354898.2); c.4999A>G, p.Arg1667Gly (NM_001354899.2); c.4960A>G, p.Arg1654Gly (NM_001354900.2); c.4906A>G, p.Arg1636Gly (NM_001354901.2); and 5 more; short protein forms R1695G, R1677G, R1604G, R1654G, R1569G, R1705G, R1713G, R1535G.
Identifiers: ClinVar variation 411445 (VCV000411445.28), dbSNP rs555019540, ClinGen allele CA040621.